The following is an entry in ClinVar:

ClinVar aggregate classification (germline): Likely benign (0 of 4 stars; one submission).

Conditions:
GPATCH3-related disorder. Also called: GPATCH3-related condition.

Allele frequency attached by ClinVar (database versions not stated): 1000 Genomes Project 30x 0.00016; 1000 Genomes Project 0.00020; gnomAD 0.00131; ExAC 0.00136; TOPMed 0.00144; ESP Exome Variant Server 0.00208; gnomAD exomes 0.00269.
gnomAD v4.1: 4,160 of 1,613,314 alleles (0.26%); highest among the groups gnomAD compares: Non-Finnish European, 0.31%; 7 homozygotes.

Submission:

PreventionGenetics, part of Exact Sciences
Classification: Likely benign for GPATCH3-related condition. Last evaluated: 2019-03-28. Review status: no assertion criteria provided. Collection method: clinical testing. Allele origin: germline.
Comment: This variant is classified as likely benign based on ACMG/AMP sequence variant interpretation guidelines (Richards et al. 2015 PMID: 25741868, with internal and published modifications).

NM_022078.3(GPATCH3):c.1380A>G (p.Leu460=)

Gene: GPATCH3 (G-patch domain containing 3; minus strand). Cytogenetic location: 1p36.11.
Variant type: single nucleotide variant.
Coding change: c.1380A>G on transcript NM_022078.3 (MANE Select); coding-DNA position 1380, A replaced by G.
Protein change: p.Leu460=; no amino-acid change (leucine 460 retained).
Molecular consequence: synonymous variant.
Genome position (GRCh38, 1-based): chr1:26,891,208, T>C on the plus strand (A>G on the coding strand, the complement: GPATCH3 is on the minus strand). VCF-style: chr1-26891208-T-C. GRCh37 (hg19) VCF-style: chr1-27217699-T-C.
Identifiers: ClinVar variation 3044306 (VCV003044306.2), dbSNP rs35647061, ClinGen allele CA709066.
Genomic context (GRCh38, chr1:26,891,208, plus strand): 5'-GATGGTGGAGATGAGCCCCAAGCCATTTCTACGGGGCCTCTTCAGTTGCCCAAATGGCTG[T>C]AGCTTCTCTCCATGGTACCTGGATAAAAACGGGCTCTCAGTGAGAAGGCTGCTCTCAAAC-3'
Protein context (NP_071361.2, residues 450-470): KRGLGYHGEK[Leu460=]QPFGQLKRPR